The following is an entry in ClinVar:

ClinVar aggregate classification (germline): Uncertain significance (1 of 4 stars; one submission).

Conditions:
APOE-related disorder. Also called: APOE-related condition.

Allele frequency attached by ClinVar (database versions not stated): gnomAD 0.00001; TOPMed 0.00002.

Submission:

PreventionGenetics, part of Exact Sciences
Classification: Uncertain significance for APOE-related condition. Last evaluated: 2023-03-23. Review status: criteria provided, single submitter. Criteria: ACMG Guidelines, 2015. Collection method: clinical testing. Allele origin: germline.
Comment: The APOE c.20G>A variant is predicted to result in the amino acid substitution p.Arg7Lys. This variant is referred to as c.-24+47G>A (pre-coding) with the primary transcript NM_000041. To our knowledge, this variant has not been reported in the literature. This variant is reported in 0.011% of alleles in individuals of African descent in gnomAD. At this time, the clinical significance of this variant is uncertain due to the absence of conclusive functional and genetic evidence.

NM_000041.4(APOE):c.-24+47G>A

Gene: APOE (apolipoprotein E; plus strand). Cytogenetic location: 19q13.32.
Variant type: single nucleotide variant.
Coding change: c.-24+47G>A on transcript NM_000041.4 (MANE Select); 47 bases into the intron after 24 bases upstream of the start codon, G replaced by A.
Molecular consequence: intron variant. On other transcripts: missense variant (1).
Genome position (GRCh38, 1-based): chr19:44,905,888, G>A. VCF-style: chr19-44905888-G-A. GRCh37 (hg19) VCF-style: chr19-45409145-G-A.
Other names: c.20G>A, p.Arg7Lys (NM_001302688.2); c.-39+47G>A (NM_001302691.2); short protein forms R7K.
Identifiers: ClinVar variation 2635119 (VCV002635119.1), dbSNP rs1246551383, ClinGen allele CA406301340.